The following is an entry in ClinVar:

ClinVar aggregate classification (germline): Uncertain significance (1 of 4 stars; one submission).

Conditions:
Hereditary spastic paraplegia 28. Also called: Spastic paraplegia 28, autosomal recessive. Identifiers: Orphanet 101008, MedGen C1836295, MONDO:0012256, OMIM 609340.

Allele frequency attached by ClinVar (database versions not stated): gnomAD exomes 0.00001.
gnomAD v4.1: 3 of 1,613,684 alleles (0.00019%); highest among the groups gnomAD compares: Admixed American, 0.005%; no homozygotes.

Submission:

Labcorp Genetics (formerly Invitae), Labcorp
Classification: Uncertain significance for Hereditary spastic paraplegia 28. Last evaluated: 2022-06-27. Review status: criteria provided, single submitter. Criteria: Invitae Variant Classification Sherloc (09022015). Collection method: clinical testing. Allele origin: germline.
Comment: In summary, the available evidence is currently insufficient to determine the role of this variant in disease. Therefore, it has been classified as a Variant of Uncertain Significance. Algorithms developed to predict the effect of missense changes on protein structure and function are either unavailable or do not agree on the potential impact of this missense change (SIFT: "Deleterious"; PolyPhen-2: "Probably Damaging"; Align-GVGD: "Class C0"). This variant has not been reported in the literature in individuals affected with DDHD1-related conditions. This variant is present in population databases (no rsID available, gnomAD 0.006%). This sequence change replaces glycine, which is neutral and non-polar, with alanine, which is neutral and non-polar, at codon 644 of the DDHD1 protein (p.Gly644Ala).

NM_001160148.2(DDHD1):c.1910G>C (p.Gly637Ala)

Gene: DDHD1 (DDHD domain containing 1; minus strand). Cytogenetic location: 14q22.1.
Variant type: single nucleotide variant.
Coding change: c.1910G>C on transcript NM_001160148.2 (MANE Select); coding-DNA position 1910, G replaced by C.
Protein change: p.Gly637Ala; replaces glycine 637 with alanine.
Molecular consequence: missense variant.
Genome position (GRCh38, 1-based): chr14:53,058,559, C>G on the plus strand (G>C on the coding strand, the complement: DDHD1 is on the minus strand). VCF-style: chr14-53058559-C-G. GRCh37 (hg19) VCF-style: chr14-53525277-C-G.
Other names: c.1931G>C, p.Gly644Ala (NM_001160147.2); c.1910G>C, p.Gly637Ala (NM_030637.3); short protein forms G637A, G644A.
Identifiers: ClinVar variation 1436637 (VCV001436637.6), dbSNP rs1437541554, ClinGen allele CA389772593.